The following is an entry in ClinVar:

NM_000439.5(PCSK1):c.1811C>T (p.Pro604Leu)

Genes: CAST (calpastatin; plus strand), PCSK1 (proprotein convertase subtilisin/kexin type 1; minus strand), LOC101929710 (uncharacterized LOC101929710; plus strand). Cytogenetic location: 5q15.
Variant type: single nucleotide variant.
Coding change: c.1811C>T on transcript NM_000439.5 (MANE Select); coding-DNA position 1811, C replaced by T.
Protein change: p.Pro604Leu; replaces proline 604 with leucine.
Molecular consequence: missense variant. On other transcripts: intron variant (11).
Genome position (GRCh38, 1-based): chr5:96,394,937, G>A on the plus strand (C>T on the coding strand, the complement: PCSK1 is on the minus strand). VCF-style: chr5-96394937-G-A. GRCh37 (hg19) VCF-style: chr5-95730641-G-A.
Other names: c.1670C>T, p.Pro557Leu (NM_001177875.2); c.-175+15285G>A (NM_001423254.1, NM_001423259.1, NM_001423255.1 and 6 more transcripts); c.-103+15285G>A (NM_001423253.1); c.-40+15285G>A (NM_001423258.1); short protein forms P557L, P604L.
Identifiers: ClinVar variation 5001210 (VCV005001210.1).

ClinVar aggregate classification (germline): Uncertain significance (1 of 4 stars; one submission).

Conditions:
PCSK1-related disorder. Also called: PCSK1-related condition.

Submission:

PreventionGenetics, part of Exact Sciences
Classification: Uncertain significance for PCSK1-related condition. Last evaluated: 2024-11-17. Review status: criteria provided, single submitter. Criteria: ACMG Guidelines, 2015. Collection method: clinical testing. Allele origin: germline.
Comment: The PCSK1 c.1811C>T variant is predicted to result in the amino acid substitution p.Pro604Leu. To our knowledge, this variant has not been reported in the literature or in a large population database (gnomAD), indicating this variant is rare. At this time, the clinical significance of this variant is uncertain due to the absence of conclusive functional and genetic evidence.